The following is an entry in ClinVar:

ClinVar aggregate classification (germline): Uncertain significance (1 of 4 stars; one submission).

Conditions:
Cardiovascular phenotype. Identifiers: MedGen CN230736.

Submission:

Ambry Genetics
Classification: Uncertain significance for Cardiovascular phenotype. Last evaluated: 2024-06-12. Review status: criteria provided, single submitter. Criteria: Ambry Variant Classification Scheme 2023. Collection method: clinical testing. Allele origin: germline.
Comment: The p.E83G variant (also known as c.248A>G), located in coding exon 4 of the CALM2 gene, results from an A to G substitution at nucleotide position 248. The glutamic acid at codon 83 is replaced by glycine, an amino acid with similar properties. This alteration has been reported in a pediatric cardiac arrhythmia cohort (Lawley CM et al. Heart Rhythm, 2022 Nov;19:1826-1833). This amino acid position is highly conserved in available vertebrate species. In addition, this alteration is predicted to be deleterious by in silico analysis. Based on the available evidence, the clinical significance of this variant remains unclear.

Literature cited by the submitters: PubMed 37850595.

NM_001743.6(CALM2):c.248A>G (p.Glu83Gly)

Gene: CALM2 (calmodulin 2; minus strand). Cytogenetic location: 2p21.
Variant type: single nucleotide variant.
Coding change: c.248A>G on transcript NM_001743.6 (MANE Select); coding-DNA position 248, A replaced by G.
Protein change: p.Glu83Gly; replaces glutamic acid 83 with glycine.
Molecular consequence: missense variant.
Genome position (GRCh38, 1-based): chr2:47,162,323, T>C on the plus strand (A>G on the coding strand, the complement: CALM2 is on the minus strand). VCF-style: chr2-47162323-T-C. GRCh37 (hg19) VCF-style: chr2-47389462-T-C.
Other names: c.392A>G, p.Glu131Gly (NM_001305624.1); c.140A>G, p.Glu47Gly (NM_001305625.2, NM_001305626.1); short protein forms E131G, E47G, E83G.
Identifiers: ClinVar variation 3262983 (VCV003262983.1).